The following is an entry in ClinVar:

ClinVar aggregate classification (germline): Conflicting classifications of pathogenicity. Review status: criteria provided, conflicting classifications (1 of 4 stars). 2 submissions from 2 submitters: Likely pathogenic (1); Uncertain significance (1). Last evaluated 2025-09-20.

Conditions:
Hereditary cancer-predisposing syndrome. Also called: Neoplastic Syndromes, Hereditary; Tumor predisposition; Hereditary neoplastic syndrome; Hereditary Cancer Syndrome. Identifiers: Orphanet 140162, MedGen C0027672, MeSH D009386, MONDO:0015356.
Familial adenomatous polyposis 1 (FAP1). Also called: POLYPOSIS, ADENOMATOUS INTESTINAL; FAMILIAL ADENOMATOUS POLYPOSIS 1, ATTENUATED. Identifiers: MedGen C2713442, MONDO:0021056, OMIM 175100. Disease mechanism: loss of function.

Submissions (2):

Labcorp Genetics (formerly Invitae), Labcorp
Classification: Uncertain significance for Familial adenomatous polyposis 1. Last evaluated: 2025-09-20. Review status: criteria provided, single submitter. Criteria: Invitae Variant Classification Sherloc (09022015). Collection method: clinical testing. Allele origin: germline.
Comment: This sequence change creates a premature translational stop signal (p.Thr2676Lysfs*7) in the APC gene. While this is not anticipated to result in nonsense mediated decay, it is expected to disrupt the last 168 amino acid(s) of the APC protein. This variant is not present in population databases (gnomAD no frequency). This variant has not been reported in the literature in individuals affected with APC-related conditions. ClinVar contains an entry for this variant (Variation ID: 3231672). Experimental studies and prediction algorithms are not available or were not evaluated, and the functional significance of this variant is currently unknown. In summary, the available evidence is currently insufficient to determine the role of this variant in disease. Therefore, it has been classified as a Variant of Uncertain Significance.

Ambry Genetics
Classification: Likely pathogenic for Hereditary cancer-predisposing syndrome. Last evaluated: 2024-03-07. Review status: criteria provided, single submitter. Criteria: Ambry Variant Classification Scheme 2023. Collection method: clinical testing. Allele origin: germline.
Comment: The c.8027delC variant, located in coding exon 15 of the APC gene, results from a deletion of one nucleotide at nucleotide position 8027, causing a translational frameshift with a predicted alternate stop codon (p.T2676Kfs*7). This alteration occurs at the 3' terminus of theAPC gene, is not expected to trigger nonsense-mediated mRNA decay, and only impacts the last 5.7% of the protein. However, premature stop codons are typically deleterious in nature, a significant portion of the protein is affected and the impacted region is critical for protein function (Ambry internal data). This variant is considered to be rare based on population cohorts in the Genome Aggregation Database (gnomAD). Based on the majority of available evidence to date, this variant is likely to be pathogenic.

NM_000038.6(APC):c.8027del (p.Thr2676fs)

Gene: APC (APC regulator of Wnt signaling pathway; plus strand). Cytogenetic location: 5q22.2.
Variant type: Deletion.
Coding change: c.8027del on transcript NM_000038.6 (MANE Select); coding-DNA position 8027, one base deleted (C; older notation c.8027delC).
Protein change: p.Thr2676fs; shifts the reading frame from threonine 2676.
Molecular consequence: frameshift variant. On other transcripts: non-coding transcript variant (2).
Genome position (GRCh38, 1-based): chr5:112,843,621, C deleted. VCF-style (leftmost placement, unchanged base first): chr5-112843620-AC-A. GRCh37 (hg19) VCF-style: chr5-112179317-AC-A.
Other names: c.8027del, p.Thr2676fs (NM_001127510.3, NM_001354895.2, NM_001407450.1); c.7973del, p.Thr2658fs (NM_001127511.3); c.8081del, p.Thr2694fs (NM_001354896.2, NM_001407447.1, NM_001407448.1 and 1 more transcripts); c.8057del, p.Thr2686fs (NM_001354897.2); c.7952del, p.Thr2651fs (NM_001354898.2); c.7943del, p.Thr2648fs (NM_001354899.2); c.7904del, p.Thr2635fs (NM_001354900.2); c.7850del, p.Thr2617fs (NM_001354901.2, NM_001407453.1); and 11 more; short protein forms T2292fs, T2393fs, T2516fs, T2547fs, T2550fs, T2575fs, T2585fs, T2593fs.
Identifiers: ClinVar variation 3231672 (VCV003231672.3), dbSNP rs2533838873, ClinGen allele CA2825001387.
Genomic context (GRCh38, chr5:112,843,620, plus strand): 5'-GATGTTTGGGTGAGAATTGAGGACTGTCCCATTAACAATCCTAGATCTGGAAGATCTCCC[AC>A]AGGTAATACTCCCCCGGTGATTGACAGTGTTTCAGAAAAGGCAAATCCAAACATTAAAGA-3'